The following is an entry in ClinVar:

ClinVar aggregate classification (germline): Likely pathogenic (1 of 4 stars; one submission).

Conditions:
Charcot-Marie-Tooth disease type 4B3. Also called: CHARCOT-MARIE-TOOTH DISEASE, DEMYELINATING, TYPE 4B3; Charcot-Marie-Tooth Neuropathy Type 4B3. Identifiers: Orphanet 363981, MedGen C3695063, MONDO:0014117, OMIM 615284.

Submission:

Victorian Clinical Genetics Services, Murdoch Childrens Research Institute
Classification: Likely pathogenic for Charcot-Marie-Tooth disease type 4B3. Last evaluated: 2023-07-17. Review status: criteria provided, single submitter. Criteria: ACMG Guidelines, 2015. Collection method: clinical testing. Allele origin: germline. Inheritance: Autosomal recessive inheritance.
Comment: Based on the classification scheme VCGS_Germline_v1.3.4, this variant is classified as Likely pathogenic. Following criteria are met: 0102 - Loss of function is a known mechanism of disease in this gene and is associated with Charcot-Marie-Tooth disease, type 4B3 (MIM#615284). (I) 0106 - This gene is associated with autosomal recessive disease. (I) 0200 - Variant is predicted to result in a missense amino acid change from leucine to proline. (I) 0251 - This variant is heterozygous. (I) 0301 - Variant is absent from gnomAD (both v2 and v3). (SP) 0309 - An alternative amino acid change at the same position has been observed in gnomAD (v3: 1 heterozygote, 0 homozygotes). (I) 0501 - Missense variant consistently predicted to be damaging by multiple in silico tools or highly conserved with a major amino acid change. (SP) 0600 - Variant is located in the annotated GRAM domain (DECIPHER). (I) 0705 - No comparable missense variants have previous evidence for pathogenicity. (I) 0807 - This variant has no previous evidence of pathogenicity. (I) 0905 - No published segregation evidence has been identified for this variant. (I) 1007 - No published functional evidence has been identified for this variant. (I) 1102 - Strong phenotype match for this individual. (SP) 1208 - Inheritance information for this variant is not currently available in this individual. (I) Legend: (SP) - Supporting pathogenic, (I) - Information, (SB) - Supporting benign

NM_002972.4(SBF1):c.2948T>C (p.Leu983Pro)

Gene: SBF1 (SET binding factor 1; minus strand). Cytogenetic location: 22q13.33.
Variant type: single nucleotide variant.
Coding change: c.2948T>C on transcript NM_002972.4 (MANE Select); coding-DNA position 2948, T replaced by C.
Protein change: p.Leu983Pro; replaces leucine 983 with proline.
Molecular consequence: missense variant.
Genome position (GRCh38, 1-based): chr22:50,461,178, A>G on the plus strand (T>C on the coding strand, the complement: SBF1 is on the minus strand). VCF-style: chr22-50461178-A-G. GRCh37 (hg19) VCF-style: chr22-50899607-A-G.
Other names: c.2951T>C, p.Leu984Pro (NM_001365819.1, NM_001410794.1); c.2948T>C, p.Leu983Pro (NM_001410795.1, NM_197971.1); short protein forms L983P, L984P.
Identifiers: ClinVar variation 1805204 (VCV001805204.2), dbSNP rs2521930871, ClinGen allele CA412207718.